The following is an entry in ClinVar:

NM_001165963.4(SCN1A):c.2177-11del

Gene: SCN1A (sodium voltage-gated channel alpha subunit 1; minus strand). Cytogenetic location: 2q24.3.
Variant type: Deletion.
Coding change: c.2177-11del on transcript NM_001165963.4 (MANE Select); 11 bases into the intron before coding-DNA position 2177, one base deleted (T; older notation c.2177-11delT).
Molecular consequence: intron variant.
Genome position (GRCh38, 1-based): chr2:166,041,480, A deleted on the plus strand (T on the coding strand, the reverse complement: SCN1A is on the minus strand); the first of 14 consecutive A bases (chr2:166,041,480-166,041,493); deleting any one gives the same sequence. VCF-style (leftmost placement, unchanged base first): chr2-166041479-GA-G. GRCh37 (hg19) VCF-style: chr2-166897989-GA-G.
Other names: p.?; c.2144-11del (NM_001353949.2, NM_001353950.2, NM_001353951.2 and 2 more transcripts); c.2093-11del (NM_001353958.2, NM_001353957.2, NM_001165964.3); c.2177-11del (NM_001202435.3, NM_001353948.2); c.2141-11del (NM_001353955.2, NM_001353954.2); c.2090-11del (NM_001353960.2); c.-282-11del (NM_001353961.2).
Identifiers: ClinVar variation 4684594 (VCV004684594.2).

ClinVar aggregate classification (germline): Benign/Likely benign. Review status: criteria provided, multiple submitters, no conflicts (2 of 4 stars). 2 submissions from 2 submitters: Benign (1); Likely benign (1). Last evaluated 2024-11-26.

Submissions (2):

Blueprint Genetics
Classification: Likely benign. Last evaluated: 2024-11-26. Review status: criteria provided, single submitter. Criteria: ACMG Guidelines, 2015. Collection method: clinical testing. Allele origin: germline.

Mayo Clinic Laboratories, Mayo Clinic
Classification: Benign. Last evaluated: 2022-12-22. Review status: criteria provided, single submitter. Criteria: ACMG Guidelines, 2015. Collection method: clinical testing. Allele origin: germline. Observed: 6 variant alleles.
Comment: BS1, BS2